The following is an entry in ClinVar:

NM_001386795.1(DTNA):c.1347-1G>A

Gene: DTNA (dystrobrevin alpha; plus strand). Cytogenetic location: 18q12.1.
Variant type: single nucleotide variant.
Coding change: c.1347-1G>A on transcript NM_001386795.1 (MANE Select); the canonical splice acceptor site of the intron before coding-DNA position 1347, G replaced by A.
Molecular consequence: splice acceptor variant. On other transcripts: intron variant (1).
Genome position (GRCh38, 1-based): chr18:34,848,295, G>A. VCF-style: chr18-34848295-G-A. GRCh37 (hg19) VCF-style: chr18-32428259-G-A.
Other names: c.1095-1G>A (NM_032975.4, NM_001386761.1, NM_001386762.1 and 1 more transcripts); c.1176-1G>A (NM_001386754.1, NM_001386755.1, NM_001386760.1 and 5 more transcripts); c.1086-1G>A (NM_001386763.1, NM_001386764.1, NM_001386768.1 and 13 more transcripts); c.604-3536G>A (NM_001198945.2); c.1347-1G>A (NM_001386788.1); c.1257-1G>A (NM_032978.7); c.1266-1G>A (NM_001390.5, NM_001391.5); c.336-1G>A (NM_001198943.1); and 4 more.
Identifiers: ClinVar variation 1004534 (VCV001004534.8), dbSNP rs772088612, ClinGen allele CA8935690.

ClinVar aggregate classification (germline): Uncertain significance (1 of 4 stars; one submission).

Conditions:
Left ventricular noncompaction 1 (LVNC1). Also called: LEFT VENTRICULAR NONCOMPACTION 1 WITH OR WITHOUT CONGENITAL HEART DEFECTS. Identifiers: Orphanet 54260, MedGen C1858725, MONDO:0011403, OMIM 604169.

Allele frequency attached by ClinVar (database versions not stated): gnomAD exomes below 0.00001 and 0.00001; TOPMed below 0.00001; ExAC 0.00001.
gnomAD v4.1: 2 of 1,613,908 alleles (0.00012%); highest among the groups gnomAD compares: East Asian, 0.0022%; no homozygotes.

Submission:

Labcorp Genetics (formerly Invitae), Labcorp
Classification: Uncertain significance for Left ventricular noncompaction 1. Last evaluated: 2020-01-27. Review status: criteria provided, single submitter. Criteria: Invitae Variant Classification Sherloc (09022015). Collection method: clinical testing. Allele origin: germline.
Comment: In summary, the available evidence is currently insufficient to determine the role of this variant in disease. Therefore, it has been classified as a Variant of Uncertain Significance. The current clinical and genetic evidence is not sufficient to establish whether loss-of-function variants in DTNA cause disease. Algorithms developed to predict the effect of sequence changes on RNA splicing suggest that this variant may disrupt the consensus splice site, but this prediction has not been confirmed by published transcriptional studies. This variant has not been reported in the literature in individuals with DTNA-related conditions. This variant is present in population databases (rs772088612, ExAC 0.01%). This sequence change affects an acceptor splice site in intron 12 of the DTNA gene. It is expected to disrupt RNA splicing and likely results in an absent or disrupted protein product.